The following is an entry in ClinVar:

NM_001042492.3(NF1):c.5730dup (p.Ile1911fs)

Gene: NF1 (neurofibromin 1; plus strand). Cytogenetic location: 17q11.2.
Variant type: Duplication.
Coding change: c.5730dup on transcript NM_001042492.3 (MANE Select); coding-DNA position 5730, one base duplicated (T; older notation c.5730dupT).
Protein change: p.Ile1911fs; shifts the reading frame from isoleucine 1911.
Molecular consequence: frameshift variant.
Genome position (GRCh38, 1-based): chr17:31,330,416, T duplicated. VCF-style (leftmost placement, unchanged base first): chr17-31330415-C-CT. GRCh37 (hg19) VCF-style: chr17-29657433-C-CT.
Other names: c.5730dupT (NM_001042492.2); c.5667dupT (NM_000267.3); c.5667dup, p.Ile1890Tyrfs (NM_000267.4); short protein forms I1911fs, I1890fs.
Identifiers: ClinVar variation 233126 (VCV000233126.15), dbSNP rs876660212, ClinGen allele CA10580357.

ClinVar aggregate classification (germline): Pathogenic. Review status: criteria provided, multiple submitters, no conflicts (2 of 4 stars). 6 submissions from 6 submitters: Pathogenic (6). Last evaluated 2025-12-09.

Conditions:
Hereditary cancer-predisposing syndrome. Also called: Tumor predisposition; Hereditary Cancer Syndrome; Hereditary neoplastic syndrome; Neoplastic Syndromes, Hereditary. Identifiers: Orphanet 140162, MedGen C0027672, MeSH D009386, MONDO:0015356.
Neurofibromatosis, familial spinal (FSNF). Identifiers: Orphanet 636, MedGen C1834235, MONDO:0008078, OMIM 162210. Disease mechanism: loss of function.
Juvenile myelomonocytic leukemia (JMML). Also called: LEUKEMIA, JUVENILE MYELOMONOCYTIC, SOMATIC. Identifiers: Orphanet 86834, MedGen C0349639, MONDO:0011908, OMIM 607785, HP:0012209.
Neurofibromatosis, type 1 (NF1). Also called: VON RECKLINGHAUSEN DISEASE; NEUROFIBROMATOSIS, TYPE I, SOMATIC; Peripheral type neurofibromatosis; Neurofibromatosis, type I. Identifiers: Orphanet 636, MedGen C0027831, MONDO:0018975, OMIM 162200. Disease mechanism: loss of function.
Neurofibromatosis-Noonan syndrome (NFNS). Also called: NEUROFIBROMATOSIS WITH NOONAN PHENOTYPE. Identifiers: Orphanet 638, MedGen C2931482, MONDO:0011035, OMIM 601321. Disease mechanism: loss of function.
Café-au-lait macules with pulmonary stenosis (WTSN). Also called: PULMONIC STENOSIS WITH CAFE-AU-LAIT SPOTS. Identifiers: MedGen C0553586, MONDO:0008672, OMIM 193520.

Submissions (6):

Labcorp Genetics (formerly Invitae), Labcorp
Classification: Pathogenic for Neurofibromatosis, type 1. Last evaluated: 2025-12-09. Review status: criteria provided, single submitter. Criteria: Invitae Variant Classification Sherloc (09022015). Collection method: clinical testing. Allele origin: germline.
Comment: This sequence change creates a premature translational stop signal (p.Ile1890Tyrfs*2) in the NF1 gene. It is expected to result in an absent or disrupted protein product. Loss-of-function variants in NF1 are known to be pathogenic (PMID: 10712197, 23913538). This variant is not present in population databases (gnomAD no frequency). This premature translational stop signal has been observed in individual(s) with clinical features of neurofibromatosis type I (PMID: 28891274). Invitae Evidence Modeling of clinical and family history, age, sex, and reported ancestry of multiple individuals with this NF1 variant has been performed. This variant is expected to be pathogenic with a positive predictive value of at least 99%. This is a validated machine learning model that incorporates the clinical features of 1,785,918 individuals referred to our laboratory for NF1 testing. ClinVar contains an entry for this variant (Variation ID: 233126). Algorithms developed to predict the effect of sequence changes on RNA splicing suggest that this variant may create or strengthen a splice site. For these reasons, this variant has been classified as Pathogenic.

Quest Diagnostics Nichols Institute San Juan Capistrano
Classification: Pathogenic. Last evaluated: 2024-02-21. Review status: criteria provided, single submitter. Criteria: Quest Diagnostics criteria. Collection method: clinical testing. Allele origin: unknown.
Comment: The NF1 c.5667dup (p.Ile1890Tyrfs*2) variant alters the translational reading frame of the NF1 mRNA and causes the premature termination of NF1 protein synthesis. This variant has been reported in the published literature in an individual with neurofibromatosis 1 (NF1) and breast cancer (PMID: 28891274 (2018)). This variant has not been reported in large, multi-ethnic general populations (Genome Aggregation Database). Based on the available information, this variant is classified as pathogenic.

GeneDx
Classification: Pathogenic. Last evaluated: 2022-12-21. Review status: criteria provided, single submitter. Criteria: GeneDx Variant Classification Process June 2021. Collection method: clinical testing. Allele origin: germline. Affected: yes.
Comment: Frameshift variant predicted to result in protein truncation or nonsense mediated decay in a gene for which loss-of-function is a known mechanism of disease; Not observed at significant frequency in large population cohorts (gnomAD); This variant is associated with the following publications: (PMID: 28891274)

Genome-Nilou Lab
Classification: Pathogenic for Neurofibromatosis, type 1. Last evaluated: 2022-03-15. Review status: criteria provided, single submitter. Criteria: ACMG Guidelines, 2015. Collection method: clinical testing. Allele origin: germline. Affected: no.

Ambry Genetics
Classification: Pathogenic for Hereditary cancer-predisposing syndrome. Last evaluated: 2015-07-24. Review status: criteria provided, single submitter. Criteria: Ambry Autosomal Dominant and X-Linked criteria (10/2015). Collection method: clinical testing. Allele origin: germline. Observed: 1 variant allele.
Comment: The c.5730dupT pathogenic mutation (also known as c.5667dupT), located in coding exon 39 of the NF1 gene, results from a duplication of onenucleotide at position 5730, causing a translational frameshift with a predicted alternate stop codon. Since frameshifts are typically deleterious in nature, this alteration is interpreted as a disease-causing mutation (ACMG Recommendations for Standards for Interpretation and Reporting of Sequence Variations. Revision 2007. Genet Med. 2008;10:294).

Juno Genomics, Hangzhou Juno Genomics, Inc
Classification: Pathogenic for Neurofibromatosis, type 1; Juvenile myelomonocytic leukemia; Neurofibromatosis, familial spinal; Neurofibromatosis-Noonan syndrome; Café-au-lait macules with pulmonary stenosis. Review status: criteria provided, single submitter. Criteria: ACMG Guidelines, 2015. Collection method: clinical testing. Allele origin: germline. Affected: yes.
Comment: Absent from controls (or at extremely low frequency if recessive) in Genome Aggregation Database, Exome Sequencing Project, 1000 Genomes Project, or Exome Aggregation Consortium.;Null variant in a gene where loss of function (LOF) is a known mechanism of disease.;The prevalence of the variant in affected individuals is significantly increased compared to the prevalence in controls.;Assumed de novo, but without confirmation of paternity and maternity.;Patient's phenotype or family history is highly specific for a disease with a single genetic etiology.

Literature cited by the submitters: PubMed 10712197 (cited by Labcorp Genetics (formerly Invitae), Labcorp); PubMed 23913538 (cited by Labcorp Genetics (formerly Invitae), Labcorp); PubMed 28891274 (cited by Labcorp Genetics (formerly Invitae), Labcorp and Quest Diagnostics Nichols Institute San Juan Capistrano).